The following is an entry in ClinVar:

NM_000179.3(MSH6):c.314G>A (p.Trp105Ter)

Gene: MSH6 (mutS homolog 6; plus strand). Cytogenetic location: 2p16.3.
Variant type: single nucleotide variant.
Coding change: c.314G>A on transcript NM_000179.3 (MANE Select); coding-DNA position 314, G replaced by A.
Protein change: p.Trp105Ter; replaces tryptophan 105 with a stop codon.
Molecular consequence: nonsense. On other transcripts: 5 prime UTR variant (2), intron variant (1).
Genome position (GRCh38, 1-based): chr2:47,790,980, G>A. VCF-style: chr2-47790980-G-A. GRCh37 (hg19) VCF-style: chr2-48018119-G-A.
Other names: c.-423G>A (NM_001281493.2, NM_001406811.1, NM_001406823.1 and 1 more transcripts); c.-589G>A (NM_001281494.2); c.410G>A, p.Trp137Ter (NM_001406795.1, NM_001406802.1); c.314G>A, p.Trp105Ter (NM_001406796.1, NM_001406798.1, NM_001406800.1 and 6 more transcripts); c.17G>A, p.Trp6Ter (NM_001406797.1, NM_001406801.1, NM_001406805.1 and 10 more transcripts); c.236G>A, p.Trp79Ter (NM_001406804.1); c.-615G>A (NM_001406807.1); c.-681G>A (NM_001406814.1); and 2 more; short protein forms W137*, W105*, W49*, W6*, W79*.
Identifiers: ClinVar variation 2132469 (VCV002132469.4), dbSNP rs1558651950, ClinGen allele CA346736843.

ClinVar aggregate classification (germline): Pathogenic (1 of 4 stars; one submission).

Conditions:
Hereditary nonpolyposis colorectal neoplasms. Identifiers: MedGen C0009405, MeSH D003123.

Submission:

Labcorp Genetics (formerly Invitae), Labcorp
Classification: Pathogenic for Hereditary nonpolyposis colorectal neoplasms. Last evaluated: 2022-11-01. Review status: criteria provided, single submitter. Criteria: Invitae Variant Classification Sherloc (09022015). Collection method: clinical testing. Allele origin: germline.
Comment: For these reasons, this variant has been classified as Pathogenic. This variant has not been reported in the literature in individuals affected with MSH6-related conditions. This variant is not present in population databases (gnomAD no frequency). This sequence change creates a premature translational stop signal (p.Trp105*) in the MSH6 gene. It is expected to result in an absent or disrupted protein product. Loss-of-function variants in MSH6 are known to be pathogenic (PMID: 18269114, 24362816).

Literature cited by the submitters: PubMed 18269114; PubMed 24362816.